The following is an entry in ClinVar:

NM_007294.4(BRCA1):c.5464C>T (p.His1822Tyr)

Gene: BRCA1 (BRCA1 DNA repair associated; minus strand). Cytogenetic location: 17q21.31.
Variant type: single nucleotide variant.
Coding change: c.5464C>T on transcript NM_007294.4 (MANE Select); coding-DNA position 5464, C replaced by T.
Protein change: p.His1822Tyr; replaces histidine 1822 with tyrosine.
Molecular consequence: missense variant. On other transcripts: non-coding transcript variant (1).
Genome position (GRCh38, 1-based): chr17:43,047,646, G>A on the plus strand (C>T on the coding strand, the complement: BRCA1 is on the minus strand). VCF-style: chr17-43047646-G-A. GRCh37 (hg19) VCF-style: chr17-41199663-G-A.
Other names: c.5341C>T, p.His1781Tyr (NM_001407664.1, NM_001407665.1, NM_001407666.1 and 3 more transcripts); c.5338C>T, p.His1780Tyr (NM_001407670.1, NM_001407671.1, NM_001407672.1 and 8 more transcripts); c.5464C>T, p.His1822Tyr (NM_001407596.1, NM_001407597.1, NM_001407598.1 and 5 more transcripts); c.5461C>T, p.His1821Tyr (NM_001407610.1, NM_001407611.1, NM_001407612.1 and 14 more transcripts); c.5458C>T, p.His1820Tyr (NM_001407627.1, NM_001407628.1, NM_001407629.1 and 13 more transcripts); c.5455C>T, p.His1819Tyr (NM_001407644.1, NM_001407645.1); c.5452C>T, p.His1818Tyr (NM_001407646.1); c.5449C>T, p.His1817Tyr (NM_001407647.1); and 83 more; short protein forms H718Y, H1843Y, H1775Y, H1822Y, P693L, H1693Y, H1732Y, H1734Y.
Identifiers: ClinVar variation 868519 (VCV000868519.4), dbSNP rs2050976551, ClinGen allele CA10590428.

ClinVar aggregate classification (germline): Uncertain significance (1 of 4 stars; one submission).

Conditions:
Fanconi anemia, complementation group S (FANCS). Identifiers: MedGen C4554406, MONDO:0054748, OMIM 617883.

Submissions (2):

Department of Pathology and Laboratory Medicine, Sinai Health System
Classification: Uncertain significance for Fanconi anemia, complementation group S. Last evaluated: 2020-10-21. Review status: criteria provided, single submitter. Criteria: ACMG Guidelines, 2015. Collection method: clinical testing. Allele origin: germline.

Brotman Baty Institute, University of Washington
No classification provided (evidence only). Condition: Breast-ovarian cancer, familial 1. Review status: no classification provided. Collection method: in vitro. Allele origin: not applicable. Functional consequence: functionally_normal. Not counted in ClinVar's aggregate classification.
ClinVar note: "not provided" was previously submitted as the classification for the variant. However, the classification appeared to be based only on an observation of functional data so it was converted to no classification on 2025-07-30.